The following is an entry in ClinVar:

NM_004341.5(CAD):c.3808C>T (p.Arg1270Cys)

Gene: CAD (carbamoyl-phosphate synthetase 2, aspartate transcarbamylase, and dihydroorotase; plus strand). Cytogenetic location: 2p23.3.
Variant type: single nucleotide variant.
Coding change: c.3808C>T on transcript NM_004341.5 (MANE Select); coding-DNA position 3808, C replaced by T.
Protein change: p.Arg1270Cys; replaces arginine 1270 with cysteine.
Molecular consequence: missense variant.
Genome position (GRCh38, 1-based): chr2:27,235,266, C>T. VCF-style: chr2-27235266-C-T. GRCh37 (hg19) VCF-style: chr2-27458134-C-T.
Other names: c.3619C>T, p.Arg1207Cys (NM_001306079.2); c.3808C>T (NM_004341.3); short protein forms R1270C, R1207C.
Identifiers: ClinVar variation 1494967 (VCV001494967.4), dbSNP rs755644449, ClinGen allele CA1573378.

ClinVar aggregate classification (germline): Uncertain significance. Review status: criteria provided, multiple submitters, no conflicts (2 of 4 stars). 2 submissions from 2 submitters: Uncertain significance (2). Last evaluated 2021-12-10.

Conditions:
Inborn genetic diseases. Identifiers: MedGen C0950123, MeSH D030342.

Allele frequency attached by ClinVar (database versions not stated): gnomAD exomes below 0.00001; ExAC 0.00001; TOPMed 0.00001.

Submissions (2):

Labcorp Genetics (formerly Invitae), Labcorp
Classification: Uncertain significance. Last evaluated: 2021-12-10. Review status: criteria provided, single submitter. Criteria: Invitae Variant Classification Sherloc (09022015). Collection method: clinical testing. Allele origin: germline.
Comment: This sequence change replaces arginine, which is basic and polar, with cysteine, which is neutral and slightly polar, at codon 1270 of the CAD protein (p.Arg1270Cys). This variant is present in population databases (rs755644449, gnomAD 0.0009%). This variant has not been reported in the literature in individuals affected with CAD-related conditions. Algorithms developed to predict the effect of missense changes on protein structure and function (SIFT, PolyPhen-2, Align-GVGD) all suggest that this variant is likely to be disruptive. In summary, the available evidence is currently insufficient to determine the role of this variant in disease. Therefore, it has been classified as a Variant of Uncertain Significance.

Ambry Genetics
Classification: Uncertain significance for Inborn genetic diseases. Last evaluated: 2021-11-15. Review status: criteria provided, single submitter. Criteria: Ambry Variant Classification Scheme 2023. Collection method: clinical testing. Allele origin: germline.